The following is an entry in ClinVar:

ClinVar aggregate classification (germline): Uncertain significance (1 of 4 stars; one submission).

Submission:

Labcorp Genetics (formerly Invitae), Labcorp
Classification: Uncertain significance. Last evaluated: 2025-12-07. Review status: criteria provided, single submitter. Criteria: Invitae Variant Classification Sherloc (09022015). Collection method: clinical testing. Allele origin: germline.
Comment: This sequence change replaces valine, which is neutral and non-polar, with glycine, which is neutral and non-polar, at codon 11 of the SRP72 protein (p.Val11Gly). This variant is not present in population databases (gnomAD no frequency). This variant has not been reported in the literature in individuals affected with SRP72-related conditions. An algorithm developed to predict the effect of missense changes on protein structure and function (PolyPhen-2) suggests that this variant is likely to be tolerated. In summary, the available evidence is currently insufficient to determine the role of this variant in disease. Therefore, it has been classified as a Variant of Uncertain Significance.

NM_006947.4(SRP72):c.32T>G (p.Val11Gly)

Genes: SRP72 (signal recognition particle 72; plus strand), LOC129992625 (ATAC-STARR-seq lymphoblastoid active region 21580; plus strand). Cytogenetic location: 4q12.
Variant type: single nucleotide variant.
Coding change: c.32T>G on transcript NM_006947.4 (MANE Select); coding-DNA position 32, T replaced by G.
Protein change: p.Val11Gly; replaces valine 11 with glycine.
Molecular consequence: missense variant. On other transcripts: non-coding transcript variant (1).
Genome position (GRCh38, 1-based): chr4:56,467,667, T>G. VCF-style: chr4-56467667-T-G. GRCh37 (hg19) VCF-style: chr4-57333833-T-G.
Other names: c.32T>G, p.Val11Gly (NM_001267722.2); short protein forms V11G.
Identifiers: ClinVar variation 4809704 (VCV004809704.1).